The following is an entry in ClinVar:

NM_001302371.3(NBPF10):c.1638-8C>T

Gene: NBPF10 (NBPF member 10; minus strand). Cytogenetic location: 1q21.1.
Variant type: single nucleotide variant.
Coding change: c.1638-8C>T on transcript NM_001302371.3 (MANE Select); 8 bases into the intron before coding-DNA position 1638, C replaced by T.
Molecular consequence: intron variant.
Genome position (GRCh38, 1-based): chr1:146,128,290, G>A on the plus strand (C>T on the coding strand, the complement: NBPF10 is on the minus strand). VCF-style: chr1-146128290-G-A. GRCh37 (hg19) VCF-style: chr1-145309892-C-T.
Other names: c.1638-8C>T (NM_001039703.6).
Identifiers: ClinVar variation 3025466 (VCV003025466.22), dbSNP rs201947016, ClinGen allele CA1051745.

ClinVar aggregate classification (germline): Likely benign (1 of 4 stars; one submission).

Allele frequency attached by ClinVar (database versions not stated): gnomAD exomes 0.00002; ExAC 0.00118.

Submission:

CeGaT Center for Human Genetics Tuebingen
Classification: Likely benign. Last evaluated: 2024-01-01. Review status: criteria provided, single submitter. Criteria: CeGaT Center For Human Genetics Tuebingen Variant Classification Criteria Version 2. Collection method: clinical testing. Allele origin: germline. Affected: yes. Observed: 1 variant allele.
Comment: NBPF10: BP4